The following is an entry in ClinVar:

NM_153676.4(USH1C):c.1880A>G (p.Glu627Gly)

Gene: USH1C (USH1 protein network component harmonin; minus strand). Cytogenetic location: 11p15.1.
Variant type: single nucleotide variant.
Coding change: c.1880A>G on transcript NM_153676.4 (MANE Select); coding-DNA position 1880, A replaced by G.
Protein change: p.Glu627Gly; replaces glutamic acid 627 with glycine.
Molecular consequence: missense variant. On other transcripts: intron variant (2).
Genome position (GRCh38, 1-based): chr11:17,509,489, T>C on the plus strand (A>G on the coding strand, the complement: USH1C is on the minus strand). VCF-style: chr11-17509489-T-C. GRCh37 (hg19) VCF-style: chr11-17531036-T-C.
Other names: c.1228-7509A>G (NM_001297764.2); c.1285-7509A>G (NM_005709.4); short protein forms E627G.
Identifiers: ClinVar variation 754272 (VCV000754272.11), dbSNP rs199812342, ClinGen allele CA5904409.

ClinVar aggregate classification (germline): Conflicting classifications of pathogenicity. Review status: criteria provided, conflicting classifications (1 of 4 stars). 2 submissions from 2 submitters: Uncertain significance (1); Likely benign (1). Last evaluated 2025-07-07.

Allele frequency attached by ClinVar (database versions not stated): gnomAD exomes 0.00002 and 0.00003; TOPMed 0.00007; gnomAD 0.00008 and 0.00009; 1000 Genomes Project 0.00020; ExAC 0.00002; 1000 Genomes Project 30x 0.00016.
gnomAD v4.1: 39 of 1,408,208 alleles (0.0028%); highest among the groups gnomAD compares: African/African-American, 0.042%; no homozygotes.

Submissions (2):

GeneDx
Classification: Uncertain significance. Last evaluated: 2025-07-07. Review status: criteria provided, single submitter. Criteria: GeneDx Variant Classification Process June 2021. Collection method: clinical testing. Allele origin: germline.
Comment: In silico analysis suggests that this missense variant does not alter protein structure/function; Has not been previously published as pathogenic or benign to our knowledge; Reported using an alternate transcript of the gene

Labcorp Genetics (formerly Invitae), Labcorp
Classification: Likely benign. Last evaluated: 2018-09-24. Review status: criteria provided, single submitter. Criteria: Invitae Variant Classification Sherloc (09022015). Collection method: clinical testing. Allele origin: germline.